The following is an entry in ClinVar:

NM_000059.4(BRCA2):c.3194T>C (p.Ile1065Thr)

Gene: BRCA2 (BRCA2 DNA repair associated; plus strand). Cytogenetic location: 13q13.1.
Variant type: single nucleotide variant.
Coding change: c.3194T>C on transcript NM_000059.4 (MANE Select); coding-DNA position 3194, T replaced by C.
Protein change: p.Ile1065Thr; replaces isoleucine 1065 with threonine.
Molecular consequence: missense variant.
Genome position (GRCh38, 1-based): chr13:32,337,549, T>C. VCF-style: chr13-32337549-T-C. GRCh37 (hg19) VCF-style: chr13-32911686-T-C.
Other names: 3422T>C; short protein forms I1065T.
Identifiers: ClinVar variation 96787 (VCV000096787.24), dbSNP rs431825303, ClinGen allele CA017501.

ClinVar aggregate classification (germline): Conflicting classifications of pathogenicity. Review status: criteria provided, conflicting classifications (1 of 4 stars). 9 submissions from 9 submitters: Uncertain significance (4); Likely benign (2). 3 of the submissions do not count toward it. Last evaluated 2026-01-07.

Conditions:
BRCA2-related cancer predisposition. Identifiers: MedGen CN377758, MONDO:0700269.
Hereditary cancer-predisposing syndrome. Also called: Hereditary Cancer Syndrome; Neoplastic Syndromes, Hereditary; Hereditary neoplastic syndrome; Tumor predisposition. Identifiers: Orphanet 140162, MedGen C0027672, MeSH D009386, MONDO:0015356.
Hereditary breast ovarian cancer syndrome. Also called: Breast and ovarian cancer; Hereditary breast and/or ovarian cancer syndrome; Hereditary breast and ovarian cancer; Hereditary breast and ovarian cancer syndrome; Hereditary breast and ovarian cancer syndrome (HBOC); BRCA1- and BRCA2-Associated Hereditary Breast and Ovarian Cancer. Identifiers: Orphanet 145, MedGen C0677776, MeSH D061325, MONDO:0003582. Disease mechanism: loss of function.
Breast-ovarian cancer, familial, susceptibility to, 2 (BROVCA2). Also called: BRCA2 Hereditary Breast and Ovarian Cancer. Identifiers: Orphanet 145, MedGen C2675520, MONDO:0012933, OMIM 612555. Disease mechanism: loss of function.

Allele frequency attached by ClinVar (database versions not stated): gnomAD 0.00001.
gnomAD v4.1: 4 of 1,607,864 alleles (0.00025%); highest among the groups gnomAD compares: African/African-American, 0.0054%; no homozygotes.

Submissions (9):

Labcorp Genetics (formerly Invitae), Labcorp
Classification: Uncertain significance for Hereditary breast ovarian cancer syndrome. Last evaluated: 2026-01-07. Review status: criteria provided, single submitter. Criteria: Invitae Variant Classification Sherloc (09022015). Collection method: clinical testing. Allele origin: germline.
Comment: This sequence change replaces isoleucine, which is neutral and non-polar, with threonine, which is neutral and polar, at codon 1065 of the BRCA2 protein (p.Ile1065Thr). This variant is not present in population databases (gnomAD no frequency). This missense change has been observed in individual(s) with colorectal cancer (PMID: 27978560). ClinVar contains an entry for this variant (Variation ID: 96787). Invitae Evidence Modeling of protein sequence and biophysical properties (such as structural, functional, and spatial information, amino acid conservation, physicochemical variation, residue mobility, and thermodynamic stability) indicates that this missense variant is not expected to disrupt BRCA2 protein function with a negative predictive value of 95%. In summary, the available evidence is currently insufficient to determine the role of this variant in disease. Therefore, it has been classified as a Variant of Uncertain Significance.

All of Us Research Program, National Institutes of Health
Classification: Uncertain significance for BRCA2-related cancer predisposition. Last evaluated: 2024-08-13. Review status: criteria provided, single submitter. Criteria: ACMG Guidelines, 2015. Collection method: clinical testing. Allele origin: germline. Inheritance: Autosomal dominant inheritance. Observed: 2 variant alleles, 2 heterozygotes.
Comment: This missense variant replaces isoleucine with threonine at codon 1065 of the BRCA2 protein. Computational prediction suggests that this variant may not impact protein structure and function. To our knowledge, functional studies have not been reported for this variant. This variant has not been reported in individuals affected with BRCA2-related disorders in the literature. This variant has been reported in an individual affected with rectal cancer (PMID: 27978560). This variant has not been identified in the general population by the Genome Aggregation Database (gnomAD). The available evidence is insufficient to determine the role of this variant in disease conclusively. Therefore, this variant is classified as a Variant of Uncertain Significance.

This study involves interpretation of variants in research participants for the purpose of population health screening. Participant phenotype was not available at the time of variant classification. Additional details can be found in publication PMID: 35346344, PMCID: PMC8962531

Color Diagnostics, LLC DBA Color Health
Classification: Uncertain significance for Hereditary cancer-predisposing syndrome. Last evaluated: 2024-07-24. Review status: criteria provided, single submitter. Criteria: ACMG Guidelines, 2015. Collection method: clinical testing. Allele origin: germline.
Comment: This missense variant replaces isoleucine with threonine at codon 1065 of the BRCA2 protein. Computational prediction suggests that this variant may not impact protein structure and function. To our knowledge, functional studies have not been reported for this variant. This variant has not been reported in individuals affected with BRCA2-related disorders in the literature. This variant has been reported in an individual affected with rectal cancer (PMID: 27978560). This variant has not been identified in the general population by the Genome Aggregation Database (gnomAD). The available evidence is insufficient to determine the role of this variant in disease conclusively. Therefore, this variant is classified as a Variant of Uncertain Significance.

Ambry Genetics
Classification: Likely benign for Hereditary cancer-predisposing syndrome. Last evaluated: 2023-11-08. Review status: criteria provided, single submitter. Criteria: Ambry Variant Classification Scheme 2023. Collection method: clinical testing. Allele origin: germline.

University of Washington Department of Laboratory Medicine, University of Washington
Classification: Likely benign for Hereditary cancer-predisposing syndrome. Last evaluated: 2023-03-23. Review status: criteria provided, single submitter. Criteria: Dines et al. (Genet Med. 2020). Collection method: curation. Allele origin: germline.
Comment: Missense variant in a coldspot region where missense variants are very unlikely to be pathogenic (PMID:31911673).

BRCA2 exon 11 coldspot. Reclassification based on statistical prior probability.

Quest Diagnostics Nichols Institute San Juan Capistrano
Classification: Uncertain significance. Last evaluated: 2019-12-17. Review status: criteria provided, single submitter. Criteria: Quest Diagnostics criteria. Collection method: clinical testing. Allele origin: unknown.

BRCAlab, Lund University
Classification: Uncertain significance for Breast-ovarian cancer, familial, susceptibility to, 2. Last evaluated: 2020-03-02. Review status: no assertion criteria provided. Collection method: clinical testing. Allele origin: germline. Affected: yes. Not counted in ClinVar's aggregate classification.

Counsyl
Classification: Uncertain significance for Breast-ovarian cancer, familial, susceptibility to, 2. Last evaluated: 2017-11-20. Review status: no assertion criteria provided. Collection method: clinical testing. Allele origin: unknown. Not counted in ClinVar's aggregate classification.

Sharing Clinical Reports Project (SCRP)
Classification: Uncertain significance for Breast-ovarian cancer, familial 2. Last evaluated: 2012-05-01. Review status: no assertion criteria provided. Collection method: clinical testing. Allele origin: germline. Not counted in ClinVar's aggregate classification.

Literature cited by the submitters: PubMed 27978560 (cited by 6 submitters); PubMed 36413997 (cited by Ambry Genetics).